The following is an entry in ClinVar:

NM_001364171.2(ODAD1):c.226G>A (p.Ala76Thr)

Gene: ODAD1 (outer dynein arm docking complex subunit 1; minus strand). Cytogenetic location: 19q13.33.
Variant type: single nucleotide variant.
Coding change: c.226G>A on transcript NM_001364171.2 (MANE Select); coding-DNA position 226, G replaced by A.
Protein change: p.Ala76Thr; replaces alanine 76 with threonine.
Molecular consequence: missense variant.
Genome position (GRCh38, 1-based): chr19:48,318,521, C>T on the plus strand (G>A on the coding strand, the complement: ODAD1 is on the minus strand). VCF-style: chr19-48318521-C-T. GRCh37 (hg19) VCF-style: chr19-48821778-C-T.
Other names: c.115G>A, p.Ala39Thr (NM_144577.4); short protein forms A39T, A76T.
Identifiers: ClinVar variation 1682902 (VCV001682902.9), dbSNP rs376555574, ClinGen allele CA9549076.

ClinVar aggregate classification (germline): Uncertain significance. Review status: criteria provided, multiple submitters, no conflicts (2 of 4 stars). 2 submissions from 2 submitters: Uncertain significance (2). Last evaluated 2025-04-17.

Conditions:
Primary ciliary dyskinesia 20. Also called: CILIARY DYSKINESIA, PRIMARY, 20, WITH OR WITHOUT SITUS INVERSUS. Identifiers: Orphanet 244, MedGen C3540844, MONDO:0014030, OMIM 615067.
Primary ciliary dyskinesia. Also called: Ciliary dyskinesia. Identifiers: Orphanet 244, MedGen C0008780, MONDO:0016575, HP:0012265.

Allele frequency attached by ClinVar (database versions not stated): gnomAD exomes 0.00001 and 0.00002; gnomAD 0.00004 and 0.00005; TOPMed 0.00004; ExAC 0.00005; ESP Exome Variant Server 0.00022.

Submissions (2):

Labcorp Genetics (formerly Invitae), Labcorp
Classification: Uncertain significance for Primary ciliary dyskinesia. Last evaluated: 2025-04-17. Review status: criteria provided, single submitter. Criteria: Invitae Variant Classification Sherloc (09022015). Collection method: clinical testing. Allele origin: germline.
Comment: This sequence change replaces alanine, which is neutral and non-polar, with threonine, which is neutral and polar, at codon 39 of the CCDC114 protein (p.Ala39Thr). This variant is present in population databases (rs376555574, gnomAD 0.02%). This variant has not been reported in the literature in individuals affected with CCDC114-related conditions. ClinVar contains an entry for this variant (Variation ID: 1682902). An algorithm developed to predict the effect of missense changes on protein structure and function (PolyPhen-2) suggests that this variant is likely to be tolerated. In summary, the available evidence is currently insufficient to determine the role of this variant in disease. Therefore, it has been classified as a Variant of Uncertain Significance.

ARUP Laboratories, Molecular Genetics and Genomics, ARUP Laboratories
Classification: Uncertain significance for Primary ciliary dyskinesia 20. Last evaluated: 2025-01-30. Review status: criteria provided, single submitter. Criteria: ARUP Molecular Germline Variant Investigation Process 2024. Collection method: clinical testing. Allele origin: germline.
Comment: The ODAD1 c.115G>A; p.Ala39Thr variant (rs376555574), to our knowledge, is not reported in the medical literature but is reported in ClinVar (Variation ID: 1682902). This variant is found in the general population with an overall allele frequency of 0.003% (5/186,718 alleles) in the Genome Aggregation Database (v2.1.1). Computational analyses predict that this variant is neutral (REVEL: 0.031). However, given the lack of clinical and functional data, the significance of this variant is uncertain at this time.